The following is an entry in ClinVar:

NM_005751.5(AKAP9):c.8116G>A (p.Ala2706Thr)

Gene: AKAP9 (A-kinase anchoring protein 9; plus strand). Cytogenetic location: 7q21.2.
Variant type: single nucleotide variant.
Coding change: c.8116G>A on transcript NM_005751.5 (MANE Select); coding-DNA position 8116, G replaced by A.
Protein change: p.Ala2706Thr; replaces alanine 2706 with threonine.
Molecular consequence: missense variant.
Genome position (GRCh38, 1-based): chr7:92,082,618, G>A. VCF-style: chr7-92082618-G-A. GRCh37 (hg19) VCF-style: chr7-91711932-G-A.
Other names: c.2761G>A, p.Ala921Thr (NM_001379277.1); c.8092G>A, p.Ala2698Thr (NM_147185.3); short protein forms A2698T, A921T, A2706T.
Identifiers: ClinVar variation 1762058 (VCV001762058.3), dbSNP rs984927444, ClinGen allele CA161886897.

ClinVar aggregate classification (germline): Conflicting classifications of pathogenicity. Review status: criteria provided, conflicting classifications (1 of 4 stars). 2 submissions from 2 submitters: Uncertain significance (1); Likely benign (1). Last evaluated 2025-12-15.

Conditions:
Cardiovascular phenotype. Identifiers: MedGen CN230736.
Long QT syndrome (LQTS). Identifiers: MedGen C0023976, MeSH D008133, MONDO:0002442. Disease mechanism: loss of function. Inheritance: Various modes of inheritance.

Allele frequency attached by ClinVar (database versions not stated): gnomAD 0.00001; TOPMed 0.00003.
gnomAD v4.1: 2 of 1,613,814 alleles (0.00012%); highest among the groups gnomAD compares: African/African-American, 0.0027%; no homozygotes.

Submissions (2):

Labcorp Genetics (formerly Invitae), Labcorp
Classification: Uncertain significance for Long QT syndrome. Last evaluated: 2025-12-15. Review status: criteria provided, single submitter. Criteria: Invitae Variant Classification Sherloc (09022015). Collection method: clinical testing. Allele origin: germline.
Comment: This sequence change replaces alanine, which is neutral and non-polar, with threonine, which is neutral and polar, at codon 2706 of the AKAP9 protein (p.Ala2706Thr). This variant is present in population databases (no rsID available, gnomAD 0.01%). This variant has not been reported in the literature in individuals affected with AKAP9-related conditions. ClinVar contains an entry for this variant (Variation ID: 1762058). An algorithm developed to predict the effect of missense changes on protein structure and function outputs the following: PolyPhen-2: "Benign". The threonine amino acid residue is found in multiple mammalian species, which suggests that this missense change does not adversely affect protein function. In summary, the available evidence is currently insufficient to determine the role of this variant in disease. Therefore, it has been classified as a Variant of Uncertain Significance.

Ambry Genetics
Classification: Likely benign for Cardiovascular phenotype. Last evaluated: 2019-09-20. Review status: criteria provided, single submitter. Criteria: Ambry Variant Classification Scheme 2023. Collection method: clinical testing. Allele origin: germline.